The following is an entry in ClinVar:

ClinVar aggregate classification (germline): Conflicting classifications of pathogenicity. Review status: criteria provided, conflicting classifications (1 of 4 stars). 4 submissions from 4 submitters: Uncertain significance (3); Benign (1). Last evaluated 2025-05-06.

Allele frequency attached by ClinVar (database versions not stated): TOPMed 0.00002; 1000 Genomes Project 30x 0.00016; 1000 Genomes Project 0.00020.

Submissions (4):

Mayo Clinic Laboratories, Mayo Clinic
Classification: Uncertain significance. Last evaluated: 2025-05-06. Review status: criteria provided, single submitter. Criteria: ACMG Guidelines, 2015. Collection method: clinical testing. Allele origin: germline. Observed: 1 variant allele.
Comment: BP4, PM2_supporting

Revvity Omics, Revvity
Classification: Uncertain significance. Last evaluated: 2023-11-08. Review status: criteria provided, single submitter. Criteria: ACMG Guidelines, 2015. Collection method: clinical testing. Allele origin: germline.

Labcorp Genetics (formerly Invitae), Labcorp
Classification: Benign. Last evaluated: 2023-10-25. Review status: criteria provided, single submitter. Criteria: Invitae Variant Classification Sherloc (09022015). Collection method: clinical testing. Allele origin: germline.

Blueprint Genetics
Classification: Uncertain significance. Last evaluated: 2019-07-23. Review status: criteria provided, single submitter. Criteria: ACMG Guidelines, 2015. Collection method: clinical testing. Allele origin: germline.

NM_001142864.4(PIEZO1):c.7333G>A (p.Val2445Met)

Gene: PIEZO1 (piezo type mechanosensitive ion channel component 1 (Er blood group); minus strand). Cytogenetic location: 16q24.3.
Variant type: single nucleotide variant.
Coding change: c.7333G>A on transcript NM_001142864.4 (MANE Select); coding-DNA position 7333, G replaced by A.
Protein change: p.Val2445Met; replaces valine 2445 with methionine.
Molecular consequence: missense variant.
Genome position (GRCh38, 1-based): chr16:88,715,838, C>T on the plus strand (G>A on the coding strand, the complement: PIEZO1 is on the minus strand). VCF-style: chr16-88715838-C-T. GRCh37 (hg19) VCF-style: chr16-88782246-C-T.
Other names: p.Val2445Met; c.5875G>A, p.Val1959Met (NM_014745.1); short protein forms V1959M, V2445M.
Identifiers: ClinVar variation 2689736 (VCV002689736.7), dbSNP rs146432823, ClinGen allele CA8231345.
Genomic context (GRCh38, chr16:88,715,838, plus strand): 5'-AGTGCGAGATCTCGCTGAAGAATCCGCGCACGAACTTGCCGATGACCAGCACGATGGACA[C>T]GTACAGCCCCATGATGCTGCGGGGGAAGCTGGTGAGTCCTGGGGCCGCCCGGAGCCCCCC-3'
Protein context (NP_001136336.2, residues 2435-2455): LAGYGIMGLY[Val2445Met]SIVLVIGKFV